The following is an entry in ClinVar:

ClinVar aggregate classification (germline): Conflicting classifications of pathogenicity. Review status: criteria provided, conflicting classifications (1 of 4 stars). 6 submissions from 6 submitters: Uncertain significance (1); Likely benign (5). Last evaluated 2026-06-01.

Conditions:
Primary ciliary dyskinesia. Also called: Ciliary dyskinesia. Identifiers: Orphanet 244, MedGen C0008780, MONDO:0016575, HP:0012265.
Primary ciliary dyskinesia 15. Also called: CILIARY DYSKINESIA, PRIMARY, 15, WITH OR WITHOUT SITUS INVERSUS. Identifiers: Orphanet 244, MedGen C3151137, MONDO:0013435, OMIM 613808.

Allele frequency attached by ClinVar (database versions not stated): gnomAD exomes 0.00012 and 0.00016; ExAC 0.00014; ESP Exome Variant Server 0.00016; TOPMed 0.00018; gnomAD 0.00022 and 0.00024.
gnomAD v4.1: 215 of 1,614,062 alleles (0.013%); highest among the groups gnomAD compares: Non-Finnish European, 0.016%; no homozygotes.

Submissions (6):

CeGaT Center for Human Genetics Tuebingen
Classification: Likely benign. Last evaluated: 2026-06-01. Review status: criteria provided, single submitter. Criteria: CeGaT Center For Human Genetics Tuebingen Variant Classification Criteria Version 2. Collection method: clinical testing. Allele origin: germline. Affected: yes. Observed: 1 variant allele.
Comment: CCDC40: BP4, BP7

Labcorp Genetics (formerly Invitae), Labcorp
Classification: Likely benign for Primary ciliary dyskinesia. Last evaluated: 2025-12-24. Review status: criteria provided, single submitter. Criteria: Invitae Variant Classification Sherloc (09022015). Collection method: clinical testing. Allele origin: germline.

Blueprint Genetics
Classification: Likely benign. Last evaluated: 2024-09-25. Review status: criteria provided, single submitter. Criteria: ACMG Guidelines, 2015. Collection method: clinical testing. Allele origin: germline.

Illumina Laboratory Services, Illumina
Classification: Uncertain significance for Primary ciliary dyskinesia 15. Last evaluated: 2017-04-27. Review status: criteria provided, single submitter. Criteria: ICSL Variant Classification Criteria 13 December 2019. Collection method: clinical testing. Allele origin: germline.

Ambry Genetics
Classification: Likely benign for Primary ciliary dyskinesia. Last evaluated: 2017-02-08. Review status: criteria provided, single submitter. Criteria: Ambry Variant Classification Scheme 2023. Collection method: clinical testing. Allele origin: germline.

PreventionGenetics, part of Exact Sciences
Classification: Likely benign. Review status: criteria provided, single submitter. Criteria: ACMG Guidelines, 2015. Collection method: clinical testing. Allele origin: germline.

NM_017950.4(CCDC40):c.384A>G (p.Ala128=)

Gene: CCDC40 (coiled-coil domain 40 molecular ruler complex subunit; plus strand). Cytogenetic location: 17q25.3.
Variant type: single nucleotide variant.
Coding change: c.384A>G on transcript NM_017950.4 (MANE Select); coding-DNA position 384, A replaced by G.
Protein change: p.Ala128=; no amino-acid change (alanine 128 retained).
Molecular consequence: synonymous variant.
Genome position (GRCh38, 1-based): chr17:80,040,102, A>G. VCF-style: chr17-80040102-A-G. GRCh37 (hg19) VCF-style: chr17-78013901-A-G.
Other names: c.384A>G, p.Ala128= (NM_001243342.2, NM_001330508.2).
Identifiers: ClinVar variation 260973 (VCV000260973.22), dbSNP rs375586063, ClinGen allele CA8813428.